The following is an entry in ClinVar:

ClinVar aggregate classification (germline): Pathogenic/Likely pathogenic. Review status: criteria provided, multiple submitters, no conflicts (2 of 4 stars). 2 submissions from 2 submitters: Pathogenic (1); Likely pathogenic (1). Last evaluated 2025-02-04.

Conditions:
Primary ciliary dyskinesia 3. Identifiers: Orphanet 244, MedGen C1837618, MONDO:0012085, OMIM 608644.
Primary ciliary dyskinesia. Also called: Ciliary dyskinesia. Identifiers: Orphanet 244, MedGen C0008780, MONDO:0016575, HP:0012265.

Submissions (2):

Natera, Inc.
Classification: Likely pathogenic for Primary ciliary dyskinesia. Last evaluated: 2025-02-04. Review status: criteria provided, single submitter. Criteria: Natera Variant Classification Schema (03/2026). Collection method: clinical testing. Allele origin: germline.
Comment: The c.13367delT variant in DNAH5 is a frameshift variant predicted to shift the reading frame beginning at codon 4456 and leads to a stop codon 7 codons downstream. This variant is expected to result in nonsense mediated decay, truncation, or a dysfunctional protein product. This variant is rare in the general population with a frequency below the threshold expected for the associated phenotype(s). Given the available evidence, this variant is classified as Likely Pathogenic.

Myriad Genetics, Inc.
Classification: Pathogenic for Primary ciliary dyskinesia 3. Last evaluated: 2024-06-22. Review status: criteria provided, single submitter. Criteria: Myriad Autosomal Dominant, Autosomal Recessive and X-Linked Classification Criteria (2023). Collection method: clinical testing. Allele origin: unknown.
Comment: NM_001369.2(DNAH5):c.13367delT(F4456Sfs*7) is expected to be pathogenic in the context of primary ciliary dyskinesia, DNAH5-related. This variant is predicted to lead to an abnormal or absent protein product due to the creation of a premature termination codon in DNAH5, a gene where loss-of-function variants are known to be pathogenic. Please note: this variant was assessed in the context of healthy population screening.

NM_001369.3(DNAH5):c.13367del (p.Phe4456fs)

Gene: DNAH5 (dynein axonemal heavy chain 5; minus strand). Cytogenetic location: 5p15.2.
Variant type: Deletion.
Coding change: c.13367del on transcript NM_001369.3 (MANE Select); coding-DNA position 13367, one base deleted (T; older notation c.13367delT).
Protein change: p.Phe4456fs; shifts the reading frame from phenylalanine 4456.
Molecular consequence: frameshift variant.
Genome position (GRCh38, 1-based): chr5:13,701,408, A deleted on the plus strand (T on the coding strand, the reverse complement: DNAH5 is on the minus strand); the first of 3 consecutive A bases (chr5:13,701,408-13,701,410); deleting any one gives the same sequence. VCF-style (leftmost placement, unchanged base first): chr5-13701407-GA-G. GRCh37 (hg19) VCF-style: chr5-13701516-GA-G.
Other names: short protein forms F4456fs.
Identifiers: ClinVar variation 4814863 (VCV004814863.2).